The following is an entry in ClinVar:

ClinVar aggregate classification (germline): Pathogenic. Review status: criteria provided, multiple submitters, no conflicts (2 of 4 stars). 2 submissions from 2 submitters: Pathogenic (2). Last evaluated 2025-07-02.

Conditions:
Developmental and epileptic encephalopathy 94 (DEE94). Also called: Epileptic encephalopathy, childhood-onset; CHD2-Related Neurodevelopmental Disorders. Identifiers: Orphanet 1942, Orphanet 2382, MedGen C3809278, MONDO:0014150, OMIM 615369.

Submissions (2):

Labcorp Genetics (formerly Invitae), Labcorp
Classification: Pathogenic for Developmental and epileptic encephalopathy 94. Last evaluated: 2025-07-02. Review status: criteria provided, single submitter. Criteria: Invitae Variant Classification Sherloc (09022015). Collection method: clinical testing. Allele origin: germline.
Comment: This sequence change creates a premature translational stop signal (p.Lys1393Glufs*15) in the CHD2 gene. It is expected to result in an absent or disrupted protein product. Loss-of-function variants in CHD2 are known to be pathogenic (PMID: 23708187, 24207121). This variant is not present in population databases (gnomAD no frequency). This variant has not been reported in the literature in individuals affected with CHD2-related conditions. ClinVar contains an entry for this variant (Variation ID: 1219194). For these reasons, this variant has been classified as Pathogenic.

GeneDx
Classification: Pathogenic. Last evaluated: 2019-11-08. Review status: criteria provided, single submitter. Criteria: GeneDx Variant Classification Process June 2021. Collection method: clinical testing. Allele origin: germline. Affected: yes.
Comment: Frameshift variant predicted to result in protein truncation or nonsense mediated decay in a gene for which loss-of-function is a known mechanism of disease; Not observed in large population cohorts (Lek et al., 2016); Has not been previously published as pathogenic or benign to our knowledge

Literature cited by the submitters: PubMed 23708187 (cited by Labcorp Genetics (formerly Invitae), Labcorp); PubMed 24207121 (cited by Labcorp Genetics (formerly Invitae), Labcorp).

NM_001271.4(CHD2):c.4176_4177del (p.Lys1393fs)

Gene: CHD2 (chromodomain helicase DNA binding protein 2; plus strand). Cytogenetic location: 15q26.1.
Variant type: Deletion.
Coding change: c.4176_4177del on transcript NM_001271.4 (MANE Select); coding-DNA positions 4176 to 4177, 2 bases deleted (GA; older notation c.4176_4177delGA).
Protein change: p.Lys1393fs; shifts the reading frame from lysine 1393.
Molecular consequence: frameshift variant.
Genome position (GRCh38, 1-based): chr15:93,002,215-93,002,216, GA deleted; deleting any 2 consecutive bases within chr15:93,002,214-93,002,216 gives the same sequence; the c. name uses the placement nearest the transcript's 3' end. VCF-style (leftmost placement, unchanged base first): chr15-93002213-CAG-C. GRCh37 (hg19) VCF-style: chr15-93545443-CAG-C.
Other names: short protein forms K1393fs.
Identifiers: ClinVar variation 1219194 (VCV001219194.8), dbSNP rs2141873663, ClinGen allele CA2499223187.
Genomic context (GRCh38, chr15:93,002,213, plus strand): 5'-TCATAGCCCTGTTTTGTTTCCTAGGATGATGGCTTGGAAAAAAGTCCAATGAAAAAAAAA[CAG>C]AAGAAGAAAGAGAACAAGGAGAACAAGGAGAAACAAATGAGTTCTAGGAAAGACAAAGAA-3'